The following is an entry in ClinVar:

NM_001399.5(EDA):c.827G>T (p.Arg276Leu)

Gene: EDA (ectodysplasin A; plus strand). Cytogenetic location: Xq13.1.
Variant type: single nucleotide variant.
Coding change: c.827G>T on transcript NM_001399.5 (MANE Select); coding-DNA position 827, G replaced by T.
Protein change: p.Arg276Leu; replaces arginine 276 with leucine.
Molecular consequence: missense variant.
Genome position (GRCh38, 1-based): chrX:70,033,431, G>T. VCF-style: chrX-70033431-G-T. GRCh37 (hg19) VCF-style: chrX-69253281-G-T.
Other names: c.827G>T, p.Arg276Leu (NM_001005609.2); c.818G>T, p.Arg273Leu (NM_001005612.3); short protein forms R276L, R273L.
Identifiers: ClinVar variation 372359 (VCV000372359.9), dbSNP rs1057517731, ClinGen allele CA16043276.

ClinVar aggregate classification (germline): Pathogenic/Likely pathogenic. Review status: criteria provided, multiple submitters, no conflicts (2 of 4 stars). 3 submissions from 3 submitters: Pathogenic (1); Likely pathogenic (2). Last evaluated 2021-04-09.

Conditions:
EDA-related disorder. Also called: EDA-related condition; EDA-related disorders.
Hypohidrotic X-linked ectodermal dysplasia (XHED). Also called: Anhidrotic ectodermal dysplasia X-linked; Christ Siemens Touraine syndrome; Christ-Siemans-Touraine syndrome; Ectodermal Dysplasia 1, Anhidrotic; ECTODERMAL DYSPLASIA 1; ECTODERMAL DYSPLASIA, HYPOHIDROTIC, 1. Identifiers: Orphanet 181, Orphanet 238468, MedGen C0162359, MONDO:0010585, OMIM 305100.

Submissions (3):

Labcorp Genetics (formerly Invitae), Labcorp
Classification: Pathogenic for Hypohidrotic X-linked ectodermal dysplasia. Last evaluated: 2021-04-09. Review status: criteria provided, single submitter. Criteria: Invitae Variant Classification Sherloc (09022015). Collection method: clinical testing. Allele origin: germline.
Comment: For these reasons, this variant has been classified as Pathogenic. This variant disrupts the p.Arg276 amino acid residue in EDA. Other variant(s) that disrupt this residue have been determined to be pathogenic (PMID: 19921643, 21357618, Invitae). This suggests that this residue is clinically significant, and that variants that disrupt this residue are likely to be disease-causing. Advanced modeling of protein sequence and biophysical properties (such as structural, functional, and spatial information, amino acid conservation, physicochemical variation, residue mobility, and thermodynamic stability) performed at Invitae indicates that this missense variant is expected to disrupt EDA protein function. This variant has been observed in individual(s) with X-linked hypohidrotic ectodermal dysplasia (Invitae). ClinVar contains an entry for this variant (Variation ID: 372359). This variant is not present in population databases (ExAC no frequency). This sequence change replaces arginine with leucine at codon 276 of the EDA protein (p.Arg276Leu). The arginine residue is highly conserved and there is a moderate physicochemical difference between arginine and leucine.

Blueprint Genetics
Classification: Likely pathogenic for EDA-related disorders. Last evaluated: 2019-10-25. Review status: criteria provided, single submitter. Criteria: ACMG Guidelines, 2015. Collection method: clinical testing. Allele origin: germline. Affected: yes. Observed: 2 variant alleles.

GeneDx
Classification: Likely pathogenic. Last evaluated: 2016-11-25. Review status: criteria provided, single submitter. Criteria: GeneDx Variant Classification (06012015). Collection method: clinical testing. Allele origin: germline. Affected: yes.
Comment: To our knowledge, the R276L variant has not been published as a pathogenic variant, nor has it been reported as a benign variant. It was not observed in approximately 6,500 individuals of European and African American ancestry in the NHLBI Exome Sequencing Project, indicating it is not a common benign variant in these populations. The R276L variant is a non-conservative amino acid substitution, which is likely to impact secondary protein structure as these residues differ in polarity, charge, size and/or other properties. This substitution occurs at a position that is conserved in mammals; however, in silico analysis is inconsistent in its predictions as to whether or not the variant is damaging to the protein structure/function. Missense variants at the same (R276C) and in nearby residues (W274G/R/C, M279R) have been reported in the Human Gene Mutation Database in association with ectodermal dysplasia (Stenson et al., 2014), supporting the functional importance of this region of the protein. Therefore, this variant is likely pathogenic; however, the possibility that it is benign cannot be excluded.

Literature cited by the submitters: PubMed 19921643 (cited by Labcorp Genetics (formerly Invitae), Labcorp); PubMed 21357618 (cited by Labcorp Genetics (formerly Invitae), Labcorp).